The following is an entry in ClinVar:

ClinVar aggregate classification (germline): Pathogenic (1 of 4 stars; one submission).

Conditions:
Aortic aneurysm, familial thoracic 4 (AAT4). Also called: AORTIC ANEURYSM/AORTIC DISSECTION AND PATENT DUCTUS ARTERIOSUS. Identifiers: MedGen C1851504, MONDO:0007568, OMIM 132900.

Submission:

Labcorp Genetics (formerly Invitae), Labcorp
Classification: Pathogenic for Aortic aneurysm, familial thoracic 4. Last evaluated: 2020-01-07. Review status: criteria provided, single submitter. Criteria: Invitae Variant Classification Sherloc (09022015). Collection method: clinical testing. Allele origin: germline.
Comment: A gross deletion of the genomic region encompassing the full coding sequence of the MYH11 gene has been identified. The boundaries of this event are unknown as the deletion extends beyond the assayed region for this gene and therefore may encompass additional genes. Isolated whole-gene deletions of MYH11 have not been reported in the literature. However, larger copy number events that include this gene have been reported (PMID: 27884122, 29179725, 22318994). Loss-of-function variants in MYH11 are known to be pathogenic (PMID: 25407000, 29575632). For these reasons, this variant has been classified as Pathogenic.

Literature cited by the submitters: PubMed 27884122; PubMed 22318994; PubMed 29179725.

NC_000016.10:g.(?_15395898)_(15888585_?)del

Genes: MPV17L (MPV17 mitochondrial inner membrane protein like; plus strand), CEP20 (centrosomal protein 20; minus strand), BMERB1 (bMERB domain containing 1; plus strand), NDE1 (nudE neurodevelopment protein 1; plus strand), MYH11 (myosin heavy chain 11; minus strand) and 1 more. Cytogenetic location: 16p13.11.
Variant type: Deletion.
Identifiers: ClinVar variation 831592 (VCV000831592.1).